The following is an entry in ClinVar:

NM_004959.5(NR5A1):c.848G>A (p.Cys283Tyr)

Gene: NR5A1 (nuclear receptor subfamily 5 group A member 1; minus strand). Cytogenetic location: 9q33.3.
Variant type: single nucleotide variant.
Coding change: c.848G>A on transcript NM_004959.5 (MANE Select); coding-DNA position 848, G replaced by A.
Protein change: p.Cys283Tyr; replaces cysteine 283 with tyrosine.
Molecular consequence: missense variant.
Genome position (GRCh38, 1-based): chr9:124,500,112, C>T on the plus strand (G>A on the coding strand, the complement: NR5A1 is on the minus strand). VCF-style: chr9-124500112-C-T. GRCh37 (hg19) VCF-style: chr9-127262391-C-T.
Other names: short protein forms C283Y.
Identifiers: ClinVar variation 2501554 (VCV002501554.1), dbSNP rs2538683556, ClinGen allele CA374885161.

ClinVar aggregate classification (germline): Likely pathogenic (1 of 4 stars; one submission).

Submission:

GeneDx
Classification: Likely pathogenic. Last evaluated: 2022-11-07. Review status: criteria provided, single submitter. Criteria: GeneDx Variant Classification Process June 2021. Collection method: clinical testing. Allele origin: germline. Affected: yes.
Comment: In silico analysis supports that this missense variant has a deleterious effect on protein structure/function; Not observed at significant frequency in large population cohorts (gnomAD); This variant is associated with the following publications: (PMID: 33351340)